The following is an entry in ClinVar:

NM_000843.4(GRM6):c.931G>A (p.Ala311Thr)

Gene: GRM6 (glutamate metabotropic receptor 6; minus strand). Cytogenetic location: 5q35.3.
Variant type: single nucleotide variant.
Coding change: c.931G>A on transcript NM_000843.4 (MANE Select); coding-DNA position 931, G replaced by A.
Protein change: p.Ala311Thr; replaces alanine 311 with threonine.
Molecular consequence: missense variant.
Genome position (GRCh38, 1-based): chr5:178,990,673, C>T on the plus strand (G>A on the coding strand, the complement: GRM6 is on the minus strand). VCF-style: chr5-178990673-C-T. GRCh37 (hg19) VCF-style: chr5-178417674-C-T.
Other names: short protein forms A311T.
Identifiers: ClinVar variation 2088887 (VCV002088887.4), dbSNP rs1760653488, ClinGen allele CA362432014.

ClinVar aggregate classification (germline): Uncertain significance (1 of 4 stars; one submission).

Allele frequency attached by ClinVar (database versions not stated): gnomAD exomes 0.00001.
gnomAD v4.1: 11 of 1,607,406 alleles (0.00068%); highest among the groups gnomAD compares: Non-Finnish European, 0.00093%; no homozygotes.

Submission:

Labcorp Genetics (formerly Invitae), Labcorp
Classification: Uncertain significance. Last evaluated: 2024-10-21. Review status: criteria provided, single submitter. Criteria: Invitae Variant Classification Sherloc (09022015). Collection method: clinical testing. Allele origin: germline.
Comment: This sequence change replaces alanine, which is neutral and non-polar, with threonine, which is neutral and polar, at codon 311 of the GRM6 protein (p.Ala311Thr). This variant is not present in population databases (gnomAD no frequency). This variant has not been reported in the literature in individuals affected with GRM6-related conditions. ClinVar contains an entry for this variant (Variation ID: 2088887). Invitae Evidence Modeling of protein sequence and biophysical properties (such as structural, functional, and spatial information, amino acid conservation, physicochemical variation, residue mobility, and thermodynamic stability) indicates that this missense variant is not expected to disrupt GRM6 protein function with a negative predictive value of 95%. In summary, the available evidence is currently insufficient to determine the role of this variant in disease. Therefore, it has been classified as a Variant of Uncertain Significance.